The following is an entry in ClinVar:

NM_000492.4(CFTR):c.2958del (p.Leu987fs)

Genes: CFTR (CF transmembrane conductance regulator; plus strand), CFTR-AS2 (CFTR antisense RNA 2; minus strand). Cytogenetic location: 7q31.2.
Variant type: Deletion.
Coding change: c.2958del on transcript NM_000492.4 (MANE Select); coding-DNA position 2958, one base deleted (T; older notation c.2958delT).
Protein change: p.Leu987fs; shifts the reading frame from leucine 987.
Molecular consequence: frameshift variant.
Genome position (GRCh38, 1-based): chr7:117,606,723, T deleted; the last of 2 consecutive T bases (chr7:117,606,722-117,606,723); deleting either gives the same sequence. VCF-style (leftmost placement, unchanged base first): chr7-117606721-CT-C. GRCh37 (hg19) VCF-style: chr7-117246775-CT-C.
Other names: short protein forms L987fs.
Identifiers: ClinVar variation 2697434 (VCV002697434.3), dbSNP rs2485125404, ClinGen allele CA2697557583.

ClinVar aggregate classification (germline): Pathogenic (1 of 4 stars; one submission).

Conditions:
Cystic fibrosis (CF). Also called: MUCOVISCIDOSIS. Identifiers: Orphanet 586, MedGen C0010674, MONDO:0009061, OMIM 219700. Disease mechanism: loss of function.

Submission:

Labcorp Genetics (formerly Invitae), Labcorp
Classification: Pathogenic for Cystic fibrosis. Last evaluated: 2023-05-22. Review status: criteria provided, single submitter. Criteria: Invitae Variant Classification Sherloc (09022015). Collection method: clinical testing. Allele origin: germline.
Comment: This sequence change creates a premature translational stop signal (p.Leu987Cysfs*13) in the CFTR gene. It is expected to result in an absent or disrupted protein product. Loss-of-function variants in CFTR are known to be pathogenic (PMID: 1695717, 7691345, 9725922). For these reasons, this variant has been classified as Pathogenic. This variant has not been reported in the literature in individuals affected with CFTR-related conditions. This variant is not present in population databases (gnomAD no frequency).

Literature cited by the submitters: PubMed 1695717; PubMed 7691345; PubMed 9725922.